The following is an entry in ClinVar:

NM_001112726.3(CEP170B):c.1227C>T (p.Phe409=)

Gene: CEP170B (centrosomal protein 170B; plus strand). Cytogenetic location: 14q32.33.
Variant type: single nucleotide variant.
Coding change: c.1227C>T on transcript NM_001112726.3 (MANE Select); coding-DNA position 1227, C replaced by T.
Protein change: p.Phe409=; no amino-acid change (phenylalanine 409 retained).
Molecular consequence: synonymous variant.
Genome position (GRCh38, 1-based): chr14:104,884,006, C>T. VCF-style: chr14-104884006-C-T. GRCh37 (hg19) VCF-style: chr14-105350343-C-T.
Other names: c.1017C>T, p.Phe339= (NM_015005.3).
Identifiers: ClinVar variation 3052646 (VCV003052646.2), dbSNP rs751471747, ClinGen allele CA7375537.

ClinVar aggregate classification (germline): Likely benign (0 of 4 stars; one submission).

Conditions:
CEP170B-related disorder. Also called: CEP170B-related condition.

Allele frequency attached by ClinVar (database versions not stated): gnomAD 0.00001; ExAC 0.00002.
gnomAD v4.1: 58 of 1,610,862 alleles (0.0036%); highest among the groups gnomAD compares: African/African-American, 0.04%; 2 homozygotes.

Submission:

PreventionGenetics, part of Exact Sciences
Classification: Likely benign for CEP170B-related condition. Last evaluated: 2019-09-17. Review status: no assertion criteria provided. Collection method: clinical testing. Allele origin: germline.
Comment: This variant is classified as likely benign based on ACMG/AMP sequence variant interpretation guidelines (Richards et al. 2015 PMID: 25741868, with internal and published modifications).